The following is an entry in ClinVar:

ClinVar aggregate classification (germline): Benign (1 of 4 stars; one submission).

Submissions (9):

Laboratory for Molecular Medicine, Mass General Brigham Personalized Medicine
Classification: Benign. Last evaluated: 2012-04-30. Review status: criteria provided, single submitter. Criteria: LMM Criteria. Collection method: clinical testing. Allele origin: germline. Observed: 1 variant allele.
Comment: Val333Phe in Exon 08 of WFS1: This variant is not expected to have clinical sign ificance because it has been identified in 33.0% (61/184) of chromosomes from a population in the dbSNP database (rs18 01212).

Dr. Peter K. Rogan Lab, Western University
No classification provided (evidence only). Condition: Ovarian serous cystadenocarcinoma. Review status: no classification provided. Collection method: in vitro. Allele origin: not applicable. Functional consequence: retained intron. Not counted in ClinVar's aggregate classification.

Dr. Peter K. Rogan Lab, Western University
No classification provided (evidence only). Condition: Ovarian serous cystadenocarcinoma. Review status: no classification provided. Collection method: in vitro. Allele origin: not applicable. Functional consequence: retained intron. Not counted in ClinVar's aggregate classification.

Dr. Peter K. Rogan Lab, Western University
No classification provided (evidence only). Condition: Ovarian serous cystadenocarcinoma. Review status: no classification provided. Collection method: in vitro. Allele origin: not applicable. Functional consequence: retained intron. Not counted in ClinVar's aggregate classification.

Dr. Peter K. Rogan Lab, Western University
No classification provided (evidence only). Condition: Ovarian serous cystadenocarcinoma. Review status: no classification provided. Collection method: in vitro. Allele origin: not applicable. Functional consequence: retained intron. Not counted in ClinVar's aggregate classification.

Dr. Peter K. Rogan Lab, Western University
No classification provided (evidence only). Condition: Ovarian serous cystadenocarcinoma. Review status: no classification provided. Collection method: in vitro. Allele origin: not applicable. Functional consequence: retained intron. Not counted in ClinVar's aggregate classification.

Dr. Peter K. Rogan Lab, Western University
No classification provided (evidence only). Condition: Ovarian serous cystadenocarcinoma. Review status: no classification provided. Collection method: in vitro. Allele origin: not applicable. Functional consequence: retained intron. Not counted in ClinVar's aggregate classification.

Dr. Peter K. Rogan Lab, Western University
No classification provided (evidence only). Condition: Ovarian serous cystadenocarcinoma. Review status: no classification provided. Collection method: in vitro. Allele origin: not applicable. Functional consequence: retained intron. Not counted in ClinVar's aggregate classification.

Dr. Peter K. Rogan Lab, Western University
No classification provided (evidence only). Condition: Ovarian serous cystadenocarcinoma. Review status: no classification provided. Collection method: in vitro. Allele origin: not applicable. Functional consequence: retained intron. Not counted in ClinVar's aggregate classification.

NM_006005.3(WFS1):c.997G>T (p.Val333Phe)

Gene: WFS1 (wolframin ER transmembrane glycoprotein; plus strand). Cytogenetic location: 4p16.1.
Variant type: single nucleotide variant.
Coding change: c.997G>T on transcript NM_006005.3 (MANE Select); coding-DNA position 997, G replaced by T.
Protein change: p.Val333Phe; replaces valine 333 with phenylalanine.
Molecular consequence: missense variant.
Genome position (GRCh38, 1-based): chr4:6,300,792, G>T. VCF-style: chr4-6300792-G-T. GRCh37 (hg19) VCF-style: chr4-6302519-G-T.
Other names: c.997G>T, p.Val333Phe (NM_001145853.1); short protein forms V333F.
Identifiers: ClinVar variation 178588 (VCV000178588.6), dbSNP rs1801212, ClinGen allele CA182614.